The following is an entry in ClinVar:

NM_001142864.4(PIEZO1):c.1537del (p.Cys513fs)

Genes: HSALR1 (HSP90AB1 associated lncRNA 1; plus strand), PIEZO1 (piezo type mechanosensitive ion channel component 1 (Er blood group); minus strand). Cytogenetic location: 16q24.3.
Variant type: Deletion.
Coding change: c.1537del on transcript NM_001142864.4 (MANE Select); coding-DNA position 1537, one base deleted (T; older notation c.1537delT).
Protein change: p.Cys513fs; shifts the reading frame from cysteine 513.
Molecular consequence: frameshift variant.
Genome position (GRCh38, 1-based): chr16:88,736,168, A deleted on the plus strand (T on the coding strand, the reverse complement: PIEZO1 is on the minus strand). VCF-style (leftmost placement, unchanged base first): chr16-88736167-CA-C. GRCh37 (hg19) VCF-style: chr16-88802575-CA-C.
Other names: short protein forms C513fs.
Identifiers: ClinVar variation 1069186 (VCV001069186.7), dbSNP rs757428415, ClinGen allele CA286432421.

ClinVar aggregate classification (germline): Pathogenic (1 of 4 stars; one submission).

Allele frequency attached by ClinVar (database versions not stated): gnomAD exomes below 0.00001.

Submission:

Labcorp Genetics (formerly Invitae), Labcorp
Classification: Pathogenic. Last evaluated: 2017-07-06. Review status: criteria provided, single submitter. Criteria: Invitae Variant Classification Sherloc (09022015). Collection method: clinical testing. Allele origin: germline.
Comment: This variant is not present in population databases (ExAC no frequency). Loss-of-function variants in PIEZO1 are known to be pathogenic (PMID: 26333996). This variant has not been reported in the literature in individuals with PIEZO1-related disease. This sequence change creates a premature translational stop signal (p.Cys513Valfs*12) in the PIEZO1 gene. It is expected to result in an absent or disrupted protein product. For these reasons, this variant has been classified as Pathogenic.

Literature cited by the submitters: PubMed 26333996.